The following is an entry in ClinVar:

ClinVar aggregate classification (germline): Uncertain significance (1 of 4 stars; one submission).

Conditions:
Inborn genetic diseases. Identifiers: MedGen C0950123, MeSH D030342.

Submission:

Ambry Genetics
Classification: Uncertain significance for Inborn genetic diseases. Last evaluated: 2025-03-13. Review status: criteria provided, single submitter. Criteria: Ambry Variant Classification Scheme 2023. Collection method: clinical testing. Allele origin: germline.
Comment: The p.E435Q variant (also known as c.1303G>C), located in coding exon 11 of the F2 gene, results from a G to C substitution at nucleotide position 1303. The glutamic acid at codon 435 is replaced by glutamine, an amino acid with highly similar properties. This amino acid position is conserved. In addition, this alteration is predicted to be deleterious by in silico analysis. Based on the available evidence, the clinical significance of this variant remains unclear.

NM_000506.5(F2):c.1303G>C (p.Glu435Gln)

Gene: F2 (coagulation factor II, thrombin; plus strand). Cytogenetic location: 11p11.2.
Variant type: single nucleotide variant.
Coding change: c.1303G>C on transcript NM_000506.5 (MANE Select); coding-DNA position 1303, G replaced by C.
Protein change: p.Glu435Gln; replaces glutamic acid 435 with glutamine.
Molecular consequence: missense variant.
Genome position (GRCh38, 1-based): chr11:46,728,668, G>C. VCF-style: chr11-46728668-G-C. GRCh37 (hg19) VCF-style: chr11-46750218-G-C.
Other names: short protein forms E435Q.
Identifiers: ClinVar variation 3847006 (VCV003847006.1).